The following is an entry in ClinVar:

ClinVar aggregate classification (germline): Likely benign. Review status: criteria provided, multiple submitters, no conflicts (2 of 4 stars). 4 submissions from 4 submitters: Likely benign (3). 1 of the submissions does not count toward it. Last evaluated 2025-11-12.

Conditions:
POLG-related disorder. Also called: POLG-Related Spectrum Disorders; POLG-related condition; POLG-Related Disorders. Identifiers: MedGen C4763519.
Progressive sclerosing poliodystrophy (MTDPS4A). Also called: Mitochondrial DNA Depletion Syndrome 4A; Mitochondrial DNA depletion syndrome 4A (Alpers type); NEURONAL DEGENERATION OF CHILDHOOD WITH LIVER DISEASE, PROGRESSIVE; Alpers-Huttenlocher Syndrome (AHS); ALPERS PROGRESSIVE INFANTILE POLIODYSTROPHY; Alpers Syndrome. Identifiers: Orphanet 726, MedGen C0205710, MONDO:0008758, OMIM 203700.

Allele frequency attached by ClinVar (database versions not stated): ExAC 0.00001; gnomAD exomes 0.00001.
gnomAD v4.1: 21 of 1,613,638 alleles (0.0013%); highest among the groups gnomAD compares: Non-Finnish European, 0.0015%; no homozygotes.

Submissions (4):

Labcorp Genetics (formerly Invitae), Labcorp
Classification: Likely benign for Progressive sclerosing poliodystrophy. Last evaluated: 2025-11-12. Review status: criteria provided, single submitter. Criteria: Invitae Variant Classification Sherloc (09022015). Collection method: clinical testing. Allele origin: germline.

CeGaT Center for Human Genetics Tuebingen
Classification: Likely benign. Last evaluated: 2025-11-01. Review status: criteria provided, single submitter. Criteria: CeGaT Center For Human Genetics Tuebingen Variant Classification Criteria Version 2. Collection method: clinical testing. Allele origin: germline. Affected: yes. Observed: 1 variant allele.
Comment: POLG: BP4, BP7

Wong Mito Lab, Molecular and Human Genetics, Baylor College of Medicine
Classification: Likely benign for Progressive sclerosing poliodystrophy. Last evaluated: 2018-10-01. Review status: criteria provided, single submitter. Criteria: ACMG Guidelines, 2015. Collection method: clinical testing. Allele origin: germline.
Comment: The NM_002693.2:c.1797A>T (NP_002684.1:p.Thr599=) [GRCH38: NC_000015.10:g.89325602T>A] variant in POLG gene is interpretated to be a Likely Benign based on ACMG guidelines (PMID: 25741868). This variant meets the following evidence codes reported in the ACMG-guideline. BP4:Computational evidence/predictors indicate no impact on the POLG structure, function, or protein-protein interaction. BP7:The variant is silent with non predicted splice impact. Based on the evidence criteria codes applied, the variant is suggested to be Likely Benign.

PreventionGenetics, part of Exact Sciences
Classification: Likely benign for POLG-related condition. Last evaluated: 2022-01-18. Review status: no assertion criteria provided. Collection method: clinical testing. Allele origin: germline. Not counted in ClinVar's aggregate classification.
Comment: This variant is classified as likely benign based on ACMG/AMP sequence variant interpretation guidelines (Richards et al. 2015 PMID: 25741868, with internal and published modifications).

NM_002693.3(POLG):c.1797A>T (p.Thr599=)

Gene: POLG (DNA polymerase gamma, catalytic subunit; minus strand). Cytogenetic location: 15q26.1.
Variant type: single nucleotide variant.
Coding change: c.1797A>T on transcript NM_002693.3 (MANE Select); coding-DNA position 1797, A replaced by T.
Protein change: p.Thr599=; no amino-acid change (threonine 599 retained).
Molecular consequence: synonymous variant.
Genome position (GRCh38, 1-based): chr15:89,325,602, T>A on the plus strand (A>T on the coding strand, the complement: POLG is on the minus strand). VCF-style: chr15-89325602-T-A. GRCh37 (hg19) VCF-style: chr15-89868833-T-A.
Other names: c.1797A>T, p.Thr599= (NM_001126131.2).
Identifiers: ClinVar variation 619358 (VCV000619358.15), dbSNP rs775651351, ClinGen allele CA7724685.